The following is an entry in ClinVar:

ClinVar aggregate classification (germline): Benign/Likely benign. Review status: criteria provided, multiple submitters, no conflicts (2 of 4 stars). 4 submissions from 4 submitters: Benign (1); Likely benign (3). Last evaluated 2025-12-23.

Conditions:
Mitochondrial complex II deficiency, nuclear type 1. Also called: SUCCINATE CoQ REDUCTASE DEFICIENCY. Identifiers: Orphanet 3208, MedGen C5700310, MONDO:0100294, OMIM 252011.
Pheochromocytoma/paraganglioma syndrome 5. Also called: Paragangliomas 5; SDHA-Related Hereditary Paraganglioma-Pheochromocytoma Syndrome. Identifiers: Orphanet 29072, MedGen C3279992, MONDO:0013602, OMIM 614165.
Hereditary cancer-predisposing syndrome. Also called: Hereditary Cancer Syndrome; Hereditary neoplastic syndrome; Neoplastic Syndromes, Hereditary; Tumor predisposition. Identifiers: Orphanet 140162, MedGen C0027672, MeSH D009386, MONDO:0015356.

Allele frequency attached by ClinVar (database versions not stated): gnomAD exomes below 0.00001 and 0.00001; ExAC 0.00001; gnomAD 0.00001; TOPMed 0.00002.
gnomAD v4.1: 6 of 1,613,962 alleles (0.00037%); highest among the groups gnomAD compares: South Asian, 0.0011%; no homozygotes.

Submissions (4):

Labcorp Genetics (formerly Invitae), Labcorp
Classification: Likely benign for Pheochromocytoma/paraganglioma syndrome 5; Mitochondrial complex II deficiency, nuclear type 1. Last evaluated: 2025-12-23. Review status: criteria provided, single submitter. Criteria: Invitae Variant Classification Sherloc (09022015). Collection method: clinical testing. Allele origin: germline.

Myriad Genetics, Inc.
Classification: Benign for Pheochromocytoma/paraganglioma syndrome 5. Last evaluated: 2025-02-28. Review status: criteria provided, single submitter. Criteria: Myriad Autosomal Dominant, Autosomal Recessive and X-Linked Classification Criteria (2023). Collection method: clinical testing. Allele origin: unknown.
Comment: This variant is considered benign. This variant is a silent/synonymous amino acid change and it is not expected to impact splicing.

Quest Diagnostics Nichols Institute San Juan Capistrano
Classification: Likely benign. Last evaluated: 2023-09-05. Review status: criteria provided, single submitter. Criteria: Quest Diagnostics criteria. Collection method: clinical testing. Allele origin: unknown.

Ambry Genetics
Classification: Likely benign for Hereditary cancer-predisposing syndrome. Last evaluated: 2020-10-28. Review status: criteria provided, single submitter. Criteria: Ambry Variant Classification Scheme 2023. Collection method: clinical testing. Allele origin: germline.

NM_004168.4(SDHA):c.534C>T (p.Leu178=)

Gene: SDHA (succinate dehydrogenase complex flavoprotein subunit A; plus strand). Cytogenetic location: 5p15.33.
Variant type: single nucleotide variant.
Coding change: c.534C>T on transcript NM_004168.4 (MANE Select); coding-DNA position 534, C replaced by T.
Protein change: p.Leu178=; no amino-acid change (leucine 178 retained).
Molecular consequence: synonymous variant.
Genome position (GRCh38, 1-based): chr5:225,960, C>T. VCF-style: chr5-225960-C-T. GRCh37 (hg19) VCF-style: chr5-226075-C-T.
Other names: c.390C>T, p.Leu130= (NM_001294332.2); c.534C>T, p.Leu178= (NM_001330758.2).
Identifiers: ClinVar variation 239674 (VCV000239674.16), dbSNP rs749329370, ClinGen allele CA3172871.